The following is an entry in ClinVar:

ClinVar aggregate classification (germline): Conflicting classifications of pathogenicity. Review status: criteria provided, conflicting classifications (1 of 4 stars). 3 submissions from 3 submitters: Uncertain significance (2); Likely benign (1). Last evaluated 2025-08-22.

Conditions:
Cardiovascular phenotype. Identifiers: MedGen CN230736.
Cardiomyopathy (CMYO). Also called: Cardiomyopathies. Identifiers: Orphanet 167848, MedGen C0878544, MONDO:0004994, HP:0001638. Inheritance: Various modes of inheritance.
Arrhythmogenic cardiomyopathy with wooly hair and keratoderma. Also called: PALMOPLANTAR KERATODERMA WITH LEFT VENTRICULAR CARDIOMYOPATHY AND WOOLLY HAIR; Carvajal syndrome; Dilated cardiomyopathy with woolly hair and keratoderma; Arrhythmogenic cardiomyopathy with woolly hair and keratoderma. Identifiers: Orphanet 65282, MedGen C1854063, MONDO:0011581, OMIM 605676.
Arrhythmogenic right ventricular dysplasia 8 (ARVD8). Also called: Arrhythmogenic Right Ventricular Dysplasia/Cardiomyopathy 8; ARRHYTHMOGENIC RIGHT VENTRICULAR DYSPLASIA, FAMILIAL, 8; ARRHYTHMOGENIC RIGHT VENTRICULAR CARDIOMYOPATHY 8. Identifiers: MedGen C1843896, MONDO:0011831, OMIM 607450.

Allele frequency attached by ClinVar (database versions not stated): gnomAD 0.00001; TOPMed 0.00002.
gnomAD v4.1: 1 of 1,613,902 alleles (0.000062%); highest among the groups gnomAD compares: Non-Finnish European, 0.000085%; no homozygotes.

Submissions (3):

Labcorp Genetics (formerly Invitae), Labcorp
Classification: Uncertain significance for Arrhythmogenic cardiomyopathy with wooly hair and keratoderma; Arrhythmogenic right ventricular dysplasia 8. Last evaluated: 2025-08-22. Review status: criteria provided, single submitter. Criteria: Invitae Variant Classification Sherloc (09022015). Collection method: clinical testing. Allele origin: germline.
Comment: This sequence change replaces proline, which is neutral and non-polar, with serine, which is neutral and polar, at codon 2814 of the DSP protein (p.Pro2814Ser). This variant is not present in population databases (gnomAD no frequency). This variant has not been reported in the literature in individuals affected with DSP-related conditions. ClinVar contains an entry for this variant (Variation ID: 920083). An algorithm developed to predict the effect of missense changes on protein structure and function (PolyPhen-2) suggests that this variant is likely to be tolerated. In summary, the available evidence is currently insufficient to determine the role of this variant in disease. Therefore, it has been classified as a Variant of Uncertain Significance.

Ambry Genetics
Classification: Likely benign for Cardiovascular phenotype. Last evaluated: 2025-04-09. Review status: criteria provided, single submitter. Criteria: Ambry Variant Classification Scheme 2023. Collection method: clinical testing. Allele origin: germline.

Color Diagnostics, LLC DBA Color Health
Classification: Uncertain significance for Cardiomyopathy. Last evaluated: 2023-12-05. Review status: criteria provided, single submitter. Criteria: ACMG Guidelines, 2015. Collection method: clinical testing. Allele origin: germline.
Comment: Variant of Uncertain Significance due to insufficient evidence: This missense variant is located in the C-terminal plakin repeat domain C of the DSP protein. Computational prediction tools and conservation analyses suggest that this variant may not impact the protein function. Computational splicing tools suggest that this variant may not impact RNA splicing. To our knowledge, functional assays have not been performed for this variant nor has this variant been reported in individuals affected with cardiovascular disorders in the literature. This variant is rare in the general population and has been identified in 0/277264 chromosomes by the Genome Aggregation Database (gnomAD). Available evidence is insufficient to determine the pathogenicity of this variant conclusively.

Literature cited by the submitters: PubMed 38691546 (cited by Ambry Genetics).

NM_004415.4(DSP):c.8440C>T (p.Pro2814Ser)

Gene: DSP (desmoplakin; plus strand). Cytogenetic location: 6p24.3.
Variant type: single nucleotide variant.
Coding change: c.8440C>T on transcript NM_004415.4 (MANE Select); coding-DNA position 8440, C replaced by T.
Protein change: p.Pro2814Ser; replaces proline 2814 with serine.
Molecular consequence: missense variant.
Genome position (GRCh38, 1-based): chr6:7,585,702, C>T. VCF-style: chr6-7585702-C-T. GRCh37 (hg19) VCF-style: chr6-7585935-C-T.
Other names: c.6643C>T, p.Pro2215Ser (NM_001008844.3); c.7111C>T, p.Pro2371Ser (NM_001319034.2); short protein forms P2215S, P2814S, P2371S.
Identifiers: ClinVar variation 920083 (VCV000920083.7), dbSNP rs1303168294, ClinGen allele CA362695150.